The following is an entry in ClinVar:

ClinVar aggregate classification (germline): Likely benign (0 of 4 stars; one submission).

Conditions:
RNF212-related disorder. Also called: RNF212-related condition.

Allele frequency attached by ClinVar (database versions not stated): TOPMed 0.00035; 1000 Genomes Project 0.00080; gnomAD 0.00029; 1000 Genomes Project 30x 0.00078.
gnomAD v4.1: 65 of 985,816 alleles (0.0066%); highest among the groups gnomAD compares: African/African-American, 0.1%; no homozygotes.

Submission:

PreventionGenetics, part of Exact Sciences
Classification: Likely benign for RNF212-related condition. Last evaluated: 2022-10-04. Review status: no assertion criteria provided. Collection method: clinical testing. Allele origin: germline.
Comment: This variant is classified as likely benign based on ACMG/AMP sequence variant interpretation guidelines (Richards et al. 2015 PMID: 25741868, with internal and published modifications).

NC_000004.12:g.1056489C>G

Gene: RNF212 (ring finger protein 212; minus strand). Cytogenetic location: 4p16.3.
Variant type: single nucleotide variant.
Molecular consequence: 3 prime UTR variant (on NM_001366918.1).
Genome position: GRCh38 VCF-style: chr4-1056489-C-G. GRCh37 (hg19) VCF-style: chr4-1050277-C-G.
Other names: c.*2G>C (NM_001366918.1); c.*10G>C (NM_001366919.1).
Identifiers: ClinVar variation 3030160 (VCV003030160.2), dbSNP rs534161196, ClinGen allele CA91154489.